The following is an entry in ClinVar:

ClinVar aggregate classification (germline): Conflicting classifications of pathogenicity. Review status: criteria provided, conflicting classifications (1 of 4 stars). 2 submissions from 2 submitters: Pathogenic (1); Uncertain significance (1). Last evaluated 2021-03-29.

Conditions:
Neurodegeneration with brain iron accumulation 5 (NBIA5). Also called: Beta-propeller protein-associated neurodegeneration; STATIC ENCEPHALOPATHY OF CHILDHOOD WITH NEURODEGENERATION IN ADULTHOOD. Identifiers: Orphanet 329284, MedGen C3550973, MONDO:0010476, OMIM 300894.

Submissions (2):

Labcorp Genetics (formerly Invitae), Labcorp
Classification: Pathogenic for Neurodegeneration with brain iron accumulation 5. Last evaluated: 2021-03-29. Review status: criteria provided, single submitter. Criteria: Invitae Variant Classification Sherloc (09022015). Collection method: clinical testing. Allele origin: germline.
Comment: For these reasons, this variant has been classified as Pathogenic. Nucleotide substitutions within the consensus splice site are a relatively common cause of aberrant splicing (PMID: 17576681, 9536098). Algorithms developed to predict the effect of sequence changes on RNA splicing suggest that this variant may disrupt the consensus splice site, but this prediction has not been confirmed by published transcriptional studies. This variant has been observed in individual(s) with clinical features of WDR45-related conditions (Invitae). In at least one individual the variant was observed to be de novo. This variant is not present in population databases (ExAC no frequency). This sequence change falls in intron 5 of the WDR45 gene. It does not directly change the encoded amino acid sequence of the WDR45 protein, but it affects a nucleotide within the consensus splice site of the intron.

Baylor Genetics
Classification: Uncertain significance for Neurodegeneration with brain iron accumulation 5. Last evaluated: 2020-01-10. Review status: criteria provided, single submitter. Criteria: ACMG Guidelines, 2015. Collection method: clinical testing. Allele origin: unknown. Affected: yes.
Comment: This variant was determined to be of uncertain significance according to ACMG Guidelines, 2015 [PMID:25741868].

Literature cited by the submitters: PubMed 17576681 (cited by Labcorp Genetics (formerly Invitae), Labcorp); PubMed 9536098 (cited by Labcorp Genetics (formerly Invitae), Labcorp).

NM_001029896.2(WDR45):c.235+5G>A

Genes: WDR45 (WD repeat domain 45; minus strand), LOC126863256 (BRD4-independent group 4 enhancer GRCh37_chrX:48934848-48936047; plus strand). Cytogenetic location: Xp11.23.
Variant type: single nucleotide variant.
Coding change: c.235+5G>A on transcript NM_001029896.2 (MANE Select); 5 bases into the intron after coding-DNA position 235, G replaced by A.
Molecular consequence: intron variant.
Genome position (GRCh38, 1-based): chrX:49,077,638, C>T on the plus strand (G>A on the coding strand, the complement: WDR45 is on the minus strand). VCF-style: chrX-49077638-C-T. GRCh37 (hg19) VCF-style: chrX-48935297-C-T.
Other names: c.235+5G>A (NM_007075.4).
Identifiers: ClinVar variation 1030190 (VCV001030190.11), dbSNP rs2065045234, ClinGen allele CA2428490713.